The following is an entry in ClinVar:

NM_007272.3(CTRC):c.554C>T (p.Thr185Met)

Gene: CTRC (chymotrypsin C; plus strand). Cytogenetic location: 1p36.21.
Variant type: single nucleotide variant.
Coding change: c.554C>T on transcript NM_007272.3 (MANE Select); coding-DNA position 554, C replaced by T.
Protein change: p.Thr185Met; replaces threonine 185 with methionine.
Molecular consequence: missense variant.
Genome position (GRCh38, 1-based): chr1:15,444,666, C>T. VCF-style: chr1-15444666-C-T. GRCh37 (hg19) VCF-style: chr1-15771161-C-T.
Other names: short protein forms T185M.
Identifiers: ClinVar variation 1748230 (VCV001748230.8), dbSNP rs771828131, ClinGen allele CA613383.

ClinVar aggregate classification (germline): Uncertain significance. Review status: criteria provided, multiple submitters, no conflicts (2 of 4 stars). 2 submissions from 2 submitters: Uncertain significance (2). Last evaluated 2025-07-31.

Conditions:
Hereditary pancreatitis (PCTT). Also called: Hereditary chronic pancreatitis; PRSS1-Related Hereditary Pancreatitis. Identifiers: Orphanet 676, MedGen C0238339, MONDO:0008185, OMIM 167800.

Allele frequency attached by ClinVar (database versions not stated): gnomAD 0.00001; gnomAD exomes 0.00001; ExAC 0.00002.

Submissions (2):

Labcorp Genetics (formerly Invitae), Labcorp
Classification: Uncertain significance for Hereditary pancreatitis. Last evaluated: 2025-07-31. Review status: criteria provided, single submitter. Criteria: Invitae Variant Classification Sherloc (09022015). Collection method: clinical testing. Allele origin: germline.
Comment: This sequence change replaces threonine, which is neutral and polar, with methionine, which is neutral and non-polar, at codon 185 of the CTRC protein (p.Thr185Met). This variant is present in population databases (rs771828131, gnomAD 0.02%). This variant has not been reported in the literature in individuals affected with CTRC-related conditions. ClinVar contains an entry for this variant (Variation ID: 1748230). Invitae Evidence Modeling of protein sequence and biophysical properties (such as structural, functional, and spatial information, amino acid conservation, physicochemical variation, residue mobility, and thermodynamic stability) has been performed for this missense variant. However, the output from this modeling did not meet the statistical confidence thresholds required to predict the impact of this variant on CTRC protein function. In summary, the available evidence is currently insufficient to determine the role of this variant in disease. Therefore, it has been classified as a Variant of Uncertain Significance.

Ambry Genetics
Classification: Uncertain significance for Hereditary pancreatitis. Last evaluated: 2024-03-15. Review status: criteria provided, single submitter. Criteria: Ambry Variant Classification Scheme 2023. Collection method: clinical testing. Allele origin: germline.
Comment: The p.T185M variant (also known as c.554C>T), located in coding exon 6 of the CTRC gene, results from a C to T substitution at nucleotide position 554. The threonine at codon 185 is replaced by methionine, an amino acid with similar properties. This amino acid position is highly conserved in available vertebrate species. In addition, the in silico prediction for this alteration is inconclusive. Since supporting evidence is limited at this time, the clinical significance of this alteration remains unclear.